The following is an entry in ClinVar:

NM_005506.4(SCARB2):c.1328T>C (p.Met443Thr)

Gene: SCARB2 (scavenger receptor class B member 2; minus strand). Cytogenetic location: 4q21.1.
Variant type: single nucleotide variant.
Coding change: c.1328T>C on transcript NM_005506.4 (MANE Select); coding-DNA position 1328, T replaced by C.
Protein change: p.Met443Thr; replaces methionine 443 with threonine.
Molecular consequence: missense variant.
Genome position (GRCh38, 1-based): chr4:76,163,295, A>G on the plus strand (T>C on the coding strand, the complement: SCARB2 is on the minus strand). VCF-style: chr4-76163295-A-G. GRCh37 (hg19) VCF-style: chr4-77084448-A-G.
Other names: p.M443T:ATG>ACG; c.899T>C, p.Met300Thr (NM_001204255.2); short protein forms M443T, M300T.
Identifiers: ClinVar variation 206717 (VCV000206717.18), dbSNP rs141250135, ClinGen allele CA317080.

ClinVar aggregate classification (germline): Uncertain significance. Review status: criteria provided, multiple submitters, no conflicts (2 of 4 stars). 4 submissions from 4 submitters: Uncertain significance (4). Last evaluated 2024-09-10.

Conditions:
Progressive myoclonic epilepsy. Also called: Myoclonus epilepsy; Familial progressive myoclonic epilepsy; Progressive myoclonus epilepsy; Myoclonic Epilepsies, Progressive. Identifiers: Orphanet 308, Orphanet 98261, MedGen C0751778, MONDO:0020074.
Action myoclonus-renal failure syndrome. Also called: MYOCLONUS-NEPHROPATHY SYNDROME; EPILEPSY, PROGRESSIVE MYOCLONIC, 4, WITH RENAL FAILURE; EPILEPSY, PROGRESSIVE MYOCLONIC, 4, WITHOUT RENAL FAILURE; SCARB2-Related Action Myoclonus-Renal Failure Syndrome. Identifiers: Orphanet 163696, MedGen C0751779, MeSH D020191, MONDO:0009699, OMIM 254900.

Allele frequency attached by ClinVar (database versions not stated): ESP Exome Variant Server 0.00008; gnomAD 0.00013 and 0.00014; gnomAD exomes 0.00001 and 0.00003; ExAC 0.00002; TOPMed 0.00020.
gnomAD v4.1: 37 of 1,614,064 alleles (0.0023%); highest among the groups gnomAD compares: African/African-American, 0.04%; no homozygotes.

Submissions (4):

GeneDx
Classification: Uncertain significance. Last evaluated: 2024-09-10. Review status: criteria provided, single submitter. Criteria: GeneDx Variant Classification Process June 2021. Collection method: clinical testing. Allele origin: germline. Affected: yes.
Comment: In silico analysis supports that this missense variant has a deleterious effect on protein structure/function; Has not been previously published as pathogenic or benign to our knowledge

Fulgent Genetics
Classification: Uncertain significance for Action myoclonus-renal failure syndrome. Last evaluated: 2024-06-19. Review status: criteria provided, single submitter. Criteria: ACMG Guidelines, 2015. Collection method: clinical testing. Allele origin: germline.

Labcorp Genetics (formerly Invitae), Labcorp
Classification: Uncertain significance for Progressive myoclonic epilepsy. Last evaluated: 2022-08-08. Review status: criteria provided, single submitter. Criteria: Invitae Variant Classification Sherloc (09022015). Collection method: clinical testing. Allele origin: germline.
Comment: This sequence change replaces methionine, which is neutral and non-polar, with threonine, which is neutral and polar, at codon 443 of the SCARB2 protein (p.Met443Thr). This variant is present in population databases (rs141250135, gnomAD 0.04%). This variant has not been reported in the literature in individuals affected with SCARB2-related conditions. ClinVar contains an entry for this variant (Variation ID: 206717). Algorithms developed to predict the effect of missense changes on protein structure and function are either unavailable or do not agree on the potential impact of this missense change (SIFT: "Deleterious"; PolyPhen-2: "Benign"; Align-GVGD: "Class C45"). In summary, the available evidence is currently insufficient to determine the role of this variant in disease. Therefore, it has been classified as a Variant of Uncertain Significance.

Eurofins Ntd Llc (ga)
Classification: Uncertain significance. Last evaluated: 2017-06-12. Review status: criteria provided, single submitter. Criteria: EGL Classification Definitions 2015. Collection method: clinical testing. Allele origin: germline. Observed: 1 variant allele, 1 heterozygote.